The following is an entry in ClinVar:

ClinVar aggregate classification (germline): Conflicting classifications of pathogenicity. Review status: criteria provided, conflicting classifications (1 of 4 stars). 2 submissions from 2 submitters: Likely pathogenic (1); Uncertain significance (1). Last evaluated 2025-07-31.

Conditions:
Megaloblastic anemia, thiamine-responsive, with diabetes mellitus and sensorineural deafness (TRMA). Also called: THIAMINE METABOLISM DYSFUNCTION SYNDROME 1 (MEGALOBLASTIC ANEMIA, DIABETES MELLITUS, AND DEAFNESS TYPE); ROGERS SYNDROME; THIAMINE-RESPONSIVE ANEMIA SYNDROME; THIAMINE-RESPONSIVE MYELODYSPLASIA; Thiamine-Responsive Megaloblastic Anemia Syndrome. Identifiers: Orphanet 49827, MedGen C0342287, MONDO:0009575, OMIM 249270.

Submissions (2):

GeneDx
Classification: Uncertain significance. Last evaluated: 2025-07-31. Review status: criteria provided, single submitter. Criteria: GeneDx Variant Classification Process June 2021. Collection method: clinical testing. Allele origin: germline. Affected: yes.
Comment: Not observed at significant frequency in large population cohorts (gnomAD); In silico analysis supports that this missense variant has a deleterious effect on protein structure/function; This variant is associated with the following publications: (PMID: 19643445, 33571483, 35686496)

Clinical Genetics Service, Universitary Hospital 12 de Octubre
Classification: Likely pathogenic for Megaloblastic anemia, thiamine-responsive, with diabetes mellitus and sensorineural deafness. Review status: criteria provided, single submitter. Criteria: ACMG Guidelines, 2015. Collection method: clinical testing. Allele origin: germline. Affected: yes.

NM_006996.3(SLC19A2):c.121G>C (p.Gly41Arg)

Genes: SLC19A2 (solute carrier family 19 member 2; minus strand), LOC129931894 (ATAC-STARR-seq lymphoblastoid silent region 1546; plus strand). Cytogenetic location: 1q24.2.
Variant type: single nucleotide variant.
Coding change: c.121G>C on transcript NM_006996.3 (MANE Select); coding-DNA position 121, G replaced by C.
Protein change: p.Gly41Arg; replaces glycine 41 with arginine.
Molecular consequence: missense variant.
Genome position (GRCh38, 1-based): chr1:169,485,646, C>G on the plus strand (G>C on the coding strand, the complement: SLC19A2 is on the minus strand). VCF-style: chr1-169485646-C-G. GRCh37 (hg19) VCF-style: chr1-169454884-C-G.
Other names: c.121G>C, p.Gly41Arg (NM_001319667.1); short protein forms G41R.
Identifiers: ClinVar variation 4755690 (VCV004755690.2).